The following is an entry in ClinVar:

NM_000038.6(APC):c.5680G>T (p.Val1894Phe)

Gene: APC (APC regulator of Wnt signaling pathway; plus strand). Cytogenetic location: 5q22.2.
Variant type: single nucleotide variant.
Coding change: c.5680G>T on transcript NM_000038.6 (MANE Select); coding-DNA position 5680, G replaced by T.
Protein change: p.Val1894Phe; replaces valine 1894 with phenylalanine.
Molecular consequence: missense variant.
Genome position (GRCh38, 1-based): chr5:112,841,274, G>T. VCF-style: chr5-112841274-G-T. GRCh37 (hg19) VCF-style: chr5-112176971-G-T.
Other names: c.5200G>T, p.Val1734Phe (NM_001354905.2); c.5734G>T, p.Val1912Phe (NM_001407447.1, NM_001407448.1, NM_001407449.1 and 1 more transcripts); c.4831G>T, p.Val1611Phe (NM_001354906.2, NM_001407470.1); c.5764G>T, p.Val1922Phe (NM_001407446.1); c.5680G>T, p.Val1894Phe (NM_001407450.1, NM_001127510.3, NM_001354895.2); c.5626G>T, p.Val1876Phe (NM_001127511.3); c.5710G>T, p.Val1904Phe (NM_001354897.2); c.5605G>T, p.Val1869Phe (NM_001354898.2); and 11 more; short protein forms V1510F, V1853F, V1866F, V1876F, V1887F, V1611F, V1765F, V1811F.
Identifiers: ClinVar variation 1749035 (VCV001749035.2), dbSNP rs2149946348, ClinGen allele CA16033770.
Genomic context (GRCh38, chr5:112,841,274, plus strand): 5'-CTTTCCAGGGAAAAGGCTGAATTAAGAAAGGCAAAAGAAAATAAGGAATCAGAGGCTAAA[G>T]TTACCAGCCACACAGAACTAACCTCCAACCAACAATCAGCTAATAAGACACAAGCTATTG-3'
Protein context (NP_000029.2, residues 1884-1904): AKENKESEAK[Val1894Phe]TSHTELTSNQ

ClinVar aggregate classification (germline): Uncertain significance (1 of 4 stars; one submission).

Conditions:
Hereditary cancer-predisposing syndrome. Also called: Hereditary Cancer Syndrome; Hereditary neoplastic syndrome; Neoplastic Syndromes, Hereditary; Tumor predisposition. Identifiers: Orphanet 140162, MedGen C0027672, MeSH D009386, MONDO:0015356.

Submission:

Ambry Genetics
Classification: Uncertain significance for Hereditary cancer-predisposing syndrome. Last evaluated: 2022-01-19. Review status: criteria provided, single submitter. Criteria: Ambry Variant Classification Scheme 2023. Collection method: clinical testing. Allele origin: germline.
Comment: The p.V1894F variant (also known as c.5680G>T), located in coding exon 15 of the APC gene, results from a G to T substitution at nucleotide position 5680. The valine at codon 1894 is replaced by phenylalanine, an amino acid with highly similar properties. This amino acid position is conserved. In addition, in silico predictors for this gene do not accurately predict pathogenicity. Since supporting evidence is limited at this time, the clinical significance of this alteration remains unclear.